The following is an entry in ClinVar:

ClinVar aggregate classification (germline): Uncertain significance (1 of 4 stars; one submission).

Allele frequency attached by ClinVar (database versions not stated): gnomAD exomes 0.00001.

Submission:

Labcorp Genetics (formerly Invitae), Labcorp
Classification: Uncertain significance. Last evaluated: 2022-03-10. Review status: criteria provided, single submitter. Criteria: Invitae Variant Classification Sherloc (09022015). Collection method: clinical testing. Allele origin: germline.
Comment: This sequence change replaces alanine, which is neutral and non-polar, with glycine, which is neutral and non-polar, at codon 694 of the ZNF408 protein (p.Ala694Gly). This variant is not present in population databases (gnomAD no frequency). This variant has not been reported in the literature in individuals affected with ZNF408-related conditions. Algorithms developed to predict the effect of missense changes on protein structure and function (SIFT, PolyPhen-2, Align-GVGD) all suggest that this variant is likely to be tolerated. In summary, the available evidence is currently insufficient to determine the role of this variant in disease. Therefore, it has been classified as a Variant of Uncertain Significance.

NM_024741.3(ZNF408):c.2081C>G (p.Ala694Gly)

Gene: ZNF408 (zinc finger protein 408; plus strand). Cytogenetic location: 11p11.2.
Variant type: single nucleotide variant.
Coding change: c.2081C>G on transcript NM_024741.3 (MANE Select); coding-DNA position 2081, C replaced by G.
Protein change: p.Ala694Gly; replaces alanine 694 with glycine.
Molecular consequence: missense variant.
Genome position (GRCh38, 1-based): chr11:46,705,781, C>G. VCF-style: chr11-46705781-C-G. GRCh37 (hg19) VCF-style: chr11-46727331-C-G.
Other names: c.2057C>G, p.Ala686Gly (NM_001184751.2); short protein forms A686G, A694G.
Identifiers: ClinVar variation 2071242 (VCV002071242.4), dbSNP rs1565696311, ClinGen allele CA380258150.